The following is an entry in ClinVar:

NM_002769.5(PRSS1):c.201-99G>C

Genes: PRSS1 (serine protease 1; plus strand), TRB (T cell receptor beta locus; plus strand). Cytogenetic location: 7q34.
Variant type: single nucleotide variant.
Coding change: c.201-99G>C on transcript NM_002769.5 (MANE Select); 99 bases into the intron before coding-DNA position 201, G replaced by C.
Molecular consequence: intron variant.
Genome position (GRCh38, 1-based): chr7:142,751,675, G>C. VCF-style: chr7-142751675-G-C. GRCh37 (hg19) VCF-style: chr7-142459526-G-C.
Identifiers: ClinVar variation 4538574 (VCV004538574.1).

ClinVar aggregate classification (germline): Uncertain significance (1 of 4 stars; one submission).

gnomAD v4.1: 2,159 of 1,610,810 alleles (0.13%); highest among the groups gnomAD compares: Admixed American, 0.17%; no homozygotes.

Submission:

GeneDx
Classification: Uncertain significance. Last evaluated: 2025-06-20. Review status: criteria provided, single submitter. Criteria: GeneDx Variant Classification Process June 2021. Collection method: clinical testing. Allele origin: germline. Affected: yes.
Comment: Reported as a germline variant in a proband with a personal and family history of intestinal gastric cancer; however, the proband also harbored variants in other genes (PMID: 32066632); In silico analysis suggests this variant may impact gene splicing. In the absence of RNA/functional studies, the actual effect of this sequence change is unknown.; This variant is associated with the following publications: (PMID: 37581535, 32066632)